The following is an entry in ClinVar:

ClinVar aggregate classification (germline): Uncertain significance (1 of 4 stars; one submission).

Conditions:
Inborn genetic diseases. Identifiers: MedGen C0950123, MeSH D030342.

Submission:

Ambry Genetics
Classification: Uncertain significance for Inborn genetic diseases. Last evaluated: 2026-07-06. Review status: criteria provided, single submitter. Criteria: Ambry Variant Classification Scheme 2023. Collection method: clinical testing. Allele origin: germline.
Comment: The p.M1572V variant (also known as c.4714A>G), located in coding exon 33 of the RYR1 gene, results from an A to G substitution at nucleotide position 4714. The methionine at codon 1572 is replaced by valine, an amino acid with highly similar properties. This amino acid position is conserved. In addition, this alteration is predicted to be deleterious by in silico analysis. Based on the available evidence, the clinical significance of this variant remains unclear.

NM_000540.3(RYR1):c.4714A>G (p.Met1572Val)

Gene: RYR1 (ryanodine receptor 1; plus strand). Cytogenetic location: 19q13.2.
Variant type: single nucleotide variant.
Coding change: c.4714A>G on transcript NM_000540.3 (MANE Select); coding-DNA position 4714, A replaced by G.
Protein change: p.Met1572Val; replaces methionine 1572 with valine.
Molecular consequence: missense variant.
Genome position (GRCh38, 1-based): chr19:38,483,296, A>G. VCF-style: chr19-38483296-A-G. GRCh37 (hg19) VCF-style: chr19-38973936-A-G.
Other names: c.4714A>G, p.Met1572Val (NM_001042723.2); short protein forms M1572V.
Identifiers: ClinVar variation 5028621 (VCV005028621.1).